The following is an entry in ClinVar:

ClinVar aggregate classification (germline): Uncertain significance (1 of 4 stars; one submission).

Submission:

GeneDx
Classification: Uncertain significance. Last evaluated: 2024-05-21. Review status: criteria provided, single submitter. Criteria: GeneDx Variant Classification Process June 2021. Collection method: clinical testing. Allele origin: germline. Affected: yes.
Comment: Not observed at significant frequency in large population cohorts (gnomAD); In silico analysis indicates that this missense variant does not alter protein structure/function; Has not been previously published as pathogenic or benign to our knowledge

NM_001351132.2(PEX5):c.766G>T (p.Ala256Ser)

Gene: PEX5 (peroxisomal biogenesis factor 5; plus strand). Cytogenetic location: 12p13.31.
Variant type: single nucleotide variant.
Coding change: c.766G>T on transcript NM_001351132.2 (MANE Select); coding-DNA position 766, G replaced by T.
Protein change: p.Ala256Ser; replaces alanine 256 with serine.
Molecular consequence: missense variant.
Genome position (GRCh38, 1-based): chr12:7,202,624, G>T. VCF-style: chr12-7202624-G-T. GRCh37 (hg19) VCF-style: chr12-7355220-G-T.
Other names: c.766G>T, p.Ala256Ser (NM_000319.5, NM_001131025.2, NM_001131026.2 and 6 more transcripts); c.811G>T, p.Ala271Ser (NM_001131023.2); c.655G>T, p.Ala219Ser (NM_001131024.2, NM_001351124.3, NM_001351126.2 and 10 more transcripts); c.700G>T, p.Ala234Ser (NM_001351135.3, NM_001351138.2); short protein forms A219S, A234S, A256S, A271S.
Identifiers: ClinVar variation 3381696 (VCV003381696.1).